The following is an entry in ClinVar:

ClinVar aggregate classification (germline): Pathogenic (1 of 4 stars; one submission).

Submission:

Labcorp Genetics (formerly Invitae), Labcorp
Classification: Pathogenic. Last evaluated: 2024-11-07. Review status: criteria provided, single submitter. Criteria: Invitae Variant Classification Sherloc (09022015). Collection method: clinical testing. Allele origin: germline.
Comment: This sequence change creates a premature translational stop signal (p.Phe60Leufs*40) in the ANGPTL3 gene. It is expected to result in an absent or disrupted protein product. Loss-of-function variants in ANGPTL3 are known to be pathogenic (PMID: 22247256, 24058201). This variant is present in population databases (no rsID available, gnomAD 0.0009%). This premature translational stop signal has been observed in individual(s) with clinical features of ANGPTL3-related conditions (PMID: 36325899). For these reasons, this variant has been classified as Pathogenic.

Literature cited by the submitters: PubMed 22247256; PubMed 24058201; PubMed 36325899.

NM_014495.4(ANGPTL3):c.177del (p.Phe60fs)

Genes: ANGPTL3 (angiopoietin like 3; plus strand), DOCK7 (dedicator of cytokinesis 7; minus strand). Cytogenetic location: 1p31.3.
Variant type: Deletion.
Coding change: c.177del on transcript NM_014495.4 (MANE Select); coding-DNA position 177, one base deleted (C; older notation c.177delC).
Protein change: p.Phe60fs; shifts the reading frame from phenylalanine 60.
Molecular consequence: frameshift variant. On other transcripts: intron variant (7).
Genome position (GRCh38, 1-based): chr1:62,597,743, C deleted. VCF-style (leftmost placement, unchanged base first): chr1-62597742-AC-A. GRCh37 (hg19) VCF-style: chr1-63063413-AC-A.
Other names: c.1683-11119del (NM_001272001.2, NM_001272000.2, NM_033407.4 and 4 more transcripts); short protein forms F60fs.
Identifiers: ClinVar variation 3706742 (VCV003706742.2).